The following is an entry in ClinVar:

NM_198576.4(AGRN):c.1177+6C>T

Gene: AGRN (agrin; plus strand). Cytogenetic location: 1p36.33.
Variant type: single nucleotide variant.
Coding change: c.1177+6C>T on transcript NM_198576.4 (MANE Select); 6 bases into the intron after coding-DNA position 1177, C replaced by T.
Molecular consequence: intron variant.
Genome position (GRCh38, 1-based): chr1:1,041,708, C>T. VCF-style: chr1-1041708-C-T. GRCh37 (hg19) VCF-style: chr1-977088-C-T.
Other names: c.1177+6C>T (NM_001305275.2); c.862+6C>T (NM_001364727.2).
Identifiers: ClinVar variation 4886611 (VCV004886611.2).
Genomic context (GRCh38, chr1:1,041,708, plus strand): 5'-GCCGCCCGGGGTCTCCTCCTGCAGAAAGTGCGCTCCGGCCAGTGCCAGGGTCGAGGTGAG[C>T]GGCTCCCCCGGGGGAGGGCTCCGGCCAGTGCCAGGGTCGAGGTGGGCGGCTCCCCCGGGG-3'

ClinVar aggregate classification (germline): Uncertain significance (1 of 4 stars; one submission).

gnomAD v4.1: 3 of 1,603,776 alleles (0.00019%); highest among the groups gnomAD compares: East Asian, 0.0022%; no homozygotes.

Submission:

Dasa
Classification: Uncertain significance. Last evaluated: 2024-11-08. Review status: criteria provided, single submitter. Criteria: DASA Assertion Criteria. Collection method: clinical testing. Allele origin: germline.
Comment: NM_198576.4(AGRN):c.1177+6C>T is a splice-region variant. This variant is rare in population databases. Computational prediction algorithms are consistent with a benign effect. The currently available literature and clinical evidence are not sufficient to establish a definitive association between this variant and the reported condition. Therefore, this variant is classified as a variant of uncertain significance.